The following is an entry in ClinVar:

ClinVar aggregate classification (germline): Uncertain significance. Review status: criteria provided, multiple submitters, no conflicts (2 of 4 stars). 2 submissions from 2 submitters: Uncertain significance (2). Last evaluated 2025-09-23.

Conditions:
Hereditary cancer-predisposing syndrome. Also called: Tumor predisposition; Neoplastic Syndromes, Hereditary; Hereditary Cancer Syndrome; Hereditary neoplastic syndrome. Identifiers: Orphanet 140162, MedGen C0027672, MeSH D009386, MONDO:0015356.
Familial adenomatous polyposis 2. Also called: Adenomas, multiple colorectal; MYH-associated polyposis; COLORECTAL ADENOMATOUS POLYPOSIS, AUTOSOMAL RECESSIVE; ADENOMAS, MULTIPLE COLORECTAL, AUTOSOMAL RECESSIVE; FAP type 2; MUTYH Polyposis. Identifiers: Orphanet 220460, Orphanet 247798, MedGen C3272841, MONDO:0012041, OMIM 608456.

Submissions (2):

Ambry Genetics
Classification: Uncertain significance for Hereditary cancer-predisposing syndrome. Last evaluated: 2025-09-23. Review status: criteria provided, single submitter. Criteria: Ambry Variant Classification Scheme 2023. Collection method: clinical testing. Allele origin: germline.
Comment: The p.E168G variant (also known as c.503A>G), located in coding exon 6 of the MUTYH gene, results from an A to G substitution at nucleotide position 503. The glutamic acid at codon 168 is replaced by glycine, an amino acid with similar properties. In a massively parallel cell-based functional assay testing 7,8-dihydro-8-oxoguanine:adenine (8OG:A) repair activity, a byproduct of oxidative damage, this variant was reported to be functional (Hemker SL et al. Am J Hum Genet, 2025 Sep;112:2010-2026). This amino acid position is highly conserved in available vertebrate species. In addition, this alteration is predicted to be deleterious by in silico analysis. Based on the available evidence, the clinical significance of this variant remains unclear.

Labcorp Genetics (formerly Invitae), Labcorp
Classification: Uncertain significance for Familial adenomatous polyposis 2. Last evaluated: 2023-08-28. Review status: criteria provided, single submitter. Criteria: Invitae Variant Classification Sherloc (09022015). Collection method: clinical testing. Allele origin: germline.
Comment: This variant has not been reported in the literature in individuals affected with MUTYH-related conditions. This variant is not present in population databases (gnomAD no frequency). This sequence change replaces glutamic acid, which is acidic and polar, with glycine, which is neutral and non-polar, at codon 168 of the MUTYH protein (p.Glu168Gly). ClinVar contains an entry for this variant (Variation ID: 1370247). In summary, the available evidence is currently insufficient to determine the role of this variant in disease. Therefore, it has been classified as a Variant of Uncertain Significance. Algorithms developed to predict the effect of sequence changes on RNA splicing suggest that this variant may disrupt the consensus splice site. An algorithm developed to predict the effect of missense changes on protein structure and function (PolyPhen-2) suggests that this variant is likely to be disruptive.

Literature cited by the submitters: PubMed 40738107 (cited by Ambry Genetics).

NM_001048174.2(MUTYH):c.419A>G (p.Glu140Gly)

Gene: MUTYH (mutY DNA glycosylase; minus strand). Cytogenetic location: 1p34.1.
Variant type: single nucleotide variant.
Coding change: c.419A>G on transcript NM_001048174.2 (MANE Select); coding-DNA position 419, A replaced by G.
Protein change: p.Glu140Gly; replaces glutamic acid 140 with glycine.
Molecular consequence: missense variant. On other transcripts: non-coding transcript variant (2).
Genome position (GRCh38, 1-based): chr1:45,332,919, T>C on the plus strand (A>G on the coding strand, the complement: MUTYH is on the minus strand). VCF-style: chr1-45332919-T-C. GRCh37 (hg19) VCF-style: chr1-45798591-T-C.
Other names: c.419A>G, p.Glu140Gly (NM_001048171.2, NM_001048173.2, NM_001293195.2); c.422A>G, p.Glu141Gly (NM_001048172.2); c.503A>G, p.Glu168Gly (NM_001128425.2); c.464A>G, p.Glu155Gly (NM_001293190.2); c.452A>G, p.Glu151Gly (NM_001293191.2); c.143A>G, p.Glu48Gly (NM_001293192.2, NM_001293196.2); c.74A>G, p.Glu25Gly (NM_001350650.2, NM_001350651.2); c.494A>G, p.Glu165Gly (NM_012222.3); and 1 more; short protein forms E140G, E155G, E25G, E141G, E48G, E151G, E165G, E168G.
Identifiers: ClinVar variation 1370247 (VCV001370247.9), dbSNP rs2149160660, ClinGen allele CA340135901.